The following is an entry in ClinVar:

NM_003070.5(SMARCA2):c.2991+5G>A

Gene: SMARCA2 (SWI/SNF related BAF chromatin remodeling complex subunit ATPase 2; plus strand). Cytogenetic location: 9p24.3.
Variant type: single nucleotide variant.
Coding change: c.2991+5G>A on transcript NM_003070.5 (MANE Select); 5 bases into the intron after coding-DNA position 2991, G replaced by A.
Molecular consequence: intron variant.
Genome position (GRCh38, 1-based): chr9:2,096,769, G>A. VCF-style: chr9-2096769-G-A. GRCh37 (hg19) VCF-style: chr9-2096769-G-A.
Other names: c.2991+5G>A (NM_139045.4, NM_001289396.2); c.2817+5G>A (NM_001289397.2).
Identifiers: ClinVar variation 2987006 (VCV002987006.3), dbSNP rs1350138618, ClinGen allele CA862024860.

ClinVar aggregate classification (germline): Uncertain significance (1 of 4 stars; one submission).

Allele frequency attached by ClinVar (database versions not stated): TOPMed below 0.00001.

Submission:

Labcorp Genetics (formerly Invitae), Labcorp
Classification: Uncertain significance. Last evaluated: 2024-01-07. Review status: criteria provided, single submitter. Criteria: Invitae Variant Classification Sherloc (09022015). Collection method: clinical testing. Allele origin: germline.
Comment: This sequence change falls in intron 20 of the SMARCA2 gene. It does not directly change the encoded amino acid sequence of the SMARCA2 protein. It affects a nucleotide within the consensus splice site. This variant is not present in population databases (gnomAD no frequency). This variant has not been reported in the literature in individuals affected with SMARCA2-related conditions. Variants that disrupt the consensus splice site are a relatively common cause of aberrant splicing (PMID: 17576681, 9536098). Algorithms developed to predict the effect of sequence changes on RNA splicing suggest that this variant is not likely to affect RNA splicing. In summary, the available evidence is currently insufficient to determine the role of this variant in disease. Therefore, it has been classified as a Variant of Uncertain Significance.

Literature cited by the submitters: PubMed 17576681; PubMed 9536098.